The following is an entry in ClinVar:

NM_001211.6(BUB1B):c.1568-3T>C

Gene: BUB1B (BUB1 mitotic checkpoint serine/threonine kinase B; plus strand). Cytogenetic location: 15q15.1.
Variant type: single nucleotide variant.
Coding change: c.1568-3T>C on transcript NM_001211.6 (MANE Select); 3 bases into the intron before coding-DNA position 1568, T replaced by C.
Molecular consequence: intron variant.
Genome position (GRCh38, 1-based): chr15:40,202,402, T>C. VCF-style: chr15-40202402-T-C. GRCh37 (hg19) VCF-style: chr15-40494603-T-C.
Identifiers: ClinVar variation 854877 (VCV000854877.11), dbSNP rs1326404435, ClinGen allele CA617229305.

ClinVar aggregate classification (germline): Uncertain significance (1 of 4 stars; one submission).

Conditions:
Mosaic variegated aneuploidy syndrome 1 (MVA1). Also called: Warburton-Anyane-Yeboa syndrome. Identifiers: Orphanet 1052, MedGen C1850343, MONDO:0009759, OMIM 257300.

Allele frequency attached by ClinVar (database versions not stated): gnomAD exomes below 0.00001; TOPMed below 0.00001.
gnomAD v4.1: 1 of 1,606,480 alleles (0.000062%); highest among the groups gnomAD compares: Non-Finnish European, 0.000085%; no homozygotes.

Submission:

Labcorp Genetics (formerly Invitae), Labcorp
Classification: Uncertain significance for Mosaic variegated aneuploidy syndrome 1. Last evaluated: 2024-03-22. Review status: criteria provided, single submitter. Criteria: Invitae Variant Classification Sherloc (09022015). Collection method: clinical testing. Allele origin: germline.
Comment: This sequence change falls in intron 12 of the BUB1B gene. It does not directly change the encoded amino acid sequence of the BUB1B protein. It affects a nucleotide within the consensus splice site. This variant is present in population databases (no rsID available, gnomAD 0.0009%). This variant has not been reported in the literature in individuals affected with BUB1B-related conditions. ClinVar contains an entry for this variant (Variation ID: 854877). Variants that disrupt the consensus splice site are a relatively common cause of aberrant splicing (PMID: 17576681, 9536098). Algorithms developed to predict the effect of sequence changes on RNA splicing suggest that this variant is not likely to affect RNA splicing. In summary, the available evidence is currently insufficient to determine the role of this variant in disease. Therefore, it has been classified as a Variant of Uncertain Significance.

Literature cited by the submitters: PubMed 17576681; PubMed 9536098.